The following is an entry in ClinVar:

ClinVar aggregate classification (germline): Conflicting classifications of pathogenicity. Review status: criteria provided, conflicting classifications (1 of 4 stars). 5 submissions from 5 submitters: Uncertain significance (2); Likely benign (3). Last evaluated 2026-01-05.

Allele frequency attached by ClinVar (database versions not stated): 1000 Genomes Project 0.00040; 1000 Genomes Project 30x 0.00078; gnomAD exomes 0.00145; TOPMed 0.00184; gnomAD 0.00188 and 0.00195; ESP Exome Variant Server 0.00208; ExAC 0.00218.

Submissions (5):

Labcorp Genetics (formerly Invitae), Labcorp
Classification: Likely benign. Last evaluated: 2026-01-05. Review status: criteria provided, single submitter. Criteria: Invitae Variant Classification Sherloc (09022015). Collection method: clinical testing. Allele origin: germline.

Blueprint Genetics
Classification: Likely benign. Last evaluated: 2024-11-13. Review status: criteria provided, single submitter. Criteria: ACMG Guidelines, 2015. Collection method: clinical testing. Allele origin: germline.

CeGaT Center for Human Genetics Tuebingen
Classification: Likely benign. Last evaluated: 2023-01-01. Review status: criteria provided, single submitter. Criteria: CeGaT Center For Human Genetics Tuebingen Variant Classification Criteria Version 2. Collection method: clinical testing. Allele origin: germline. Affected: yes. Observed: 1 variant allele.
Comment: CDT1: BP4

GeneDx
Classification: Uncertain significance. Last evaluated: 2018-08-17. Review status: criteria provided, single submitter. Criteria: GeneDx Variant Classification (06012015). Collection method: clinical testing. Allele origin: germline. Affected: yes.
Comment: The E544V variant in the CDT1 gene has been published previously in a single individual with abnormality of growth (Retterer et al., 2016). The E544V variant is observed in 290/102030 (0.28%) alleles from individuals of non-Finnish European background in large population cohorts, and one individual is reported to be homozygous (Lek et al., 2016). The E544V variant is a non-conservative amino acid substitution, which is likely to impact secondary protein structure as these residues differ in polarity, charge, size and/or other properties. In silico analyses, including protein predictors and evolutionary conservation, support a deleterious effect. We interpret E544V as a variant of uncertain significance.

Genetic Services Laboratory, University of Chicago
Classification: Uncertain significance. Last evaluated: 2013-01-17. Review status: criteria provided, single submitter. Criteria: ACMG Guidelines, 2007. Collection method: clinical testing. Allele origin: germline. Inheritance: Autosomal recessive inheritance.

NM_030928.4(CDT1):c.1631A>T (p.Glu544Val)

Gene: CDT1 (chromatin licensing and DNA replication factor 1; plus strand). Cytogenetic location: 16q24.3.
Variant type: single nucleotide variant.
Coding change: c.1631A>T on transcript NM_030928.4 (MANE Select); coding-DNA position 1631, A replaced by T.
Protein change: p.Glu544Val; replaces glutamic acid 544 with valine.
Molecular consequence: missense variant.
Genome position (GRCh38, 1-based): chr16:88,808,268, A>T. VCF-style: chr16-88808268-A-T. GRCh37 (hg19) VCF-style: chr16-88874676-A-T.
Other names: short protein forms E544V.
Identifiers: ClinVar variation 128662 (VCV000128662.43), dbSNP rs144843732, ClinGen allele CA230990.
Genomic context (GRCh38, chr16:88,808,268, plus strand): 5'-ACAAGGCCGCGGACCTCGCCCACATCACTGCACGCCTGGCCCACCAGACACGTGCTGAGG[A>T]GGGGCTGTGAGCCTGGGGGCCACTGTGGACAGACGTGGGCTTCAGAAGCTCGCTGGCCTG-3'
Protein context (NP_112190.2, residues 534-546): ARLAHQTRAE[Glu544Val]GL